The following is an entry in ClinVar:

ClinVar aggregate classification (germline): Uncertain significance. Review status: criteria provided, multiple submitters, no conflicts (2 of 4 stars). 2 submissions from 2 submitters: Uncertain significance (2). Last evaluated 2024-10-24.

Conditions:
Hereditary spastic paraplegia. Also called: Familial spastic paraparesis. Identifiers: Orphanet 685, MedGen C0037773, MONDO:0019064. Disease mechanism: loss of function.
Hereditary sensory and autonomic neuropathy with spastic paraplegia (HSNSP). Identifiers: Orphanet 139578, MedGen C1850395, MONDO:0009748, OMIM 256840.

Allele frequency attached by ClinVar (database versions not stated): gnomAD 0.00002 and 0.00003; gnomAD exomes 0.00002 and 0.00004; ExAC 0.00003; TOPMed 0.00003; 1000 Genomes Project 0.00040; 1000 Genomes Project 30x 0.00047.

Submissions (2):

Labcorp Genetics (formerly Invitae), Labcorp
Classification: Uncertain significance for Hereditary sensory and autonomic neuropathy with spastic paraplegia. Last evaluated: 2024-10-24. Review status: criteria provided, single submitter. Criteria: Invitae Variant Classification Sherloc (09022015). Collection method: clinical testing. Allele origin: germline.
Comment: This sequence change replaces glutamic acid, which is acidic and polar, with lysine, which is basic and polar, at codon 163 of the CCT5 protein (p.Glu163Lys). This variant is present in population databases (rs552008894, gnomAD 0.01%). This missense change has been observed in individual(s) with hereditary spastic paraplegia (PMID: 28832565). ClinVar contains an entry for this variant (Variation ID: 424664). Invitae Evidence Modeling of protein sequence and biophysical properties (such as structural, functional, and spatial information, amino acid conservation, physicochemical variation, residue mobility, and thermodynamic stability) indicates that this missense variant is not expected to disrupt CCT5 protein function with a negative predictive value of 80%. In summary, the available evidence is currently insufficient to determine the role of this variant in disease. Therefore, it has been classified as a Variant of Uncertain Significance.

Unit for Genetic & Epidemiological Research on Neurological Disorders, Instituto de Investigação e Inovação em Saúde
Classification: Uncertain significance for Hereditary spastic paraplegia. Last evaluated: 2017-03-07. Review status: criteria provided, single submitter. Criteria: Morais et al. (Eur J Hum Genet. 2017). Collection method: research. Allele origin: unknown. Affected: yes.

Literature cited by the submitters: PubMed 28832565 (cited by Labcorp Genetics (formerly Invitae), Labcorp).

NM_012073.5(CCT5):c.487G>A (p.Glu163Lys)

Gene: CCT5 (chaperonin containing TCP1 subunit 5; plus strand). Cytogenetic location: 5p15.2.
Variant type: single nucleotide variant.
Coding change: c.487G>A on transcript NM_012073.5 (MANE Select); coding-DNA position 487, G replaced by A.
Protein change: p.Glu163Lys; replaces glutamic acid 163 with lysine.
Molecular consequence: missense variant.
Genome position (GRCh38, 1-based): chr5:10,256,110, G>A. VCF-style: chr5-10256110-G-A. GRCh37 (hg19) VCF-style: chr5-10256222-G-A.
Other names: c.424G>A, p.Glu142Lys (NM_001306153.1); c.322G>A, p.Glu108Lys (NM_001306154.2); c.208G>A, p.Glu70Lys (NM_001306155.2); c.373G>A, p.Glu125Lys (NM_001306156.2); short protein forms E163K, E108K, E125K, E142K, E70K.
Identifiers: ClinVar variation 424664 (VCV000424664.8), dbSNP rs552008894, ClinGen allele CA3198096.